The following is an entry in ClinVar:

NM_001035.3(RYR2):c.2420G>A (p.Arg807Gln)

Gene: RYR2 (ryanodine receptor 2; plus strand). Cytogenetic location: 1q43.
Variant type: single nucleotide variant.
Coding change: c.2420G>A on transcript NM_001035.3 (MANE Select); coding-DNA position 2420, G replaced by A.
Protein change: p.Arg807Gln; replaces arginine 807 with glutamine.
Molecular consequence: missense variant.
Genome position (GRCh38, 1-based): chr1:237,503,312, G>A. VCF-style: chr1-237503312-G-A. GRCh37 (hg19) VCF-style: chr1-237666612-G-A.
Other names: c.2420G>A (NM_001035.2); short protein forms R807Q.
Identifiers: ClinVar variation 920221 (VCV000920221.15), dbSNP rs753611255, ClinGen allele CA086048.
Genomic context (GRCh38, chr1:237,503,312, plus strand): 5'-CAGAGATAAAATTGACTCTAACGTGCATCCTCTTTAGAGTACGCTTTCTGCTTGGAGGGC[G>A]ACATGGAGAATTCAAATTTCTTCCTCCACCTGGGTATGCTCCTTGTTATGAAGCTGTTCT-3'
Protein context (NP_001026.2, residues 797-817): GIKVRFLLGG[Arg807Gln]HGEFKFLPPP

ClinVar aggregate classification (germline): Uncertain significance. Review status: criteria provided, multiple submitters, no conflicts (2 of 4 stars). 5 submissions from 5 submitters: Uncertain significance (5). Last evaluated 2025-07-24.

Conditions:
Cardiovascular phenotype. Identifiers: MedGen CN230736.
Catecholaminergic polymorphic ventricular tachycardia (CVPT). Also called: Catecholamine-induced polymorphic ventricular tachycardia. Identifiers: Orphanet 3286, MedGen C5574922, MONDO:0017990.
Cardiomyopathy (CMYO). Also called: Cardiomyopathies. Identifiers: Orphanet 167848, MedGen C0878544, MONDO:0004994, HP:0001638. Inheritance: Various modes of inheritance.
Catecholaminergic polymorphic ventricular tachycardia 1. Also called: VENTRICULAR TACHYCARDIA, CATECHOLAMINERGIC POLYMORPHIC, 1, WITH OR WITHOUT ATRIAL DYSFUNCTION AND/OR DILATED CARDIOMYOPATHY; RYR2-Related Catecholaminergic Polymorphic Ventricular Tachycardia; VENTRICULAR TACHYCARDIA, STRESS-INDUCED POLYMORPHIC 1. Identifiers: Orphanet 3286, MedGen C1631597, MONDO:0011484, OMIM 604772.

Allele frequency attached by ClinVar (database versions not stated): gnomAD 0.00001; gnomAD exomes 0.00001; ExAC 0.00002.

Submissions (5):

GeneDx
Classification: Uncertain significance. Last evaluated: 2025-07-24. Review status: criteria provided, single submitter. Criteria: GeneDx Variant Classification Process June 2021. Collection method: clinical testing. Allele origin: germline. Affected: yes.
Comment: Not observed at significant frequency in large population cohorts (gnomAD); In silico analysis supports that this missense variant has a deleterious effect on protein structure/function; Has not been previously published as pathogenic or benign to our knowledge; Not located in one of the three hot-spot regions of the RYR2 gene, where the majority of pathogenic missense variants occur (PMID: 19926015); This variant is associated with the following publications: (PMID: 19926015)

All of Us Research Program, National Institutes of Health
Classification: Uncertain significance for Catecholaminergic polymorphic ventricular tachycardia. Last evaluated: 2024-08-13. Review status: criteria provided, single submitter. Criteria: ACMG Guidelines, 2015. Collection method: clinical testing. Allele origin: germline. Inheritance: Autosomal dominant inheritance. Observed: 3 variant alleles, 3 heterozygotes.
Comment: This missense variant replaces arginine with glutamine at codon 807 of the RYR2 protein. Computational prediction is inconclusive regarding the impact of this variant on protein structure and function (internally defined REVEL score threshold 0.5 < inconclusive < 0.7, PMID: 27666373). Splice site prediction tools suggest that this variant may not impact RNA splicing. To our knowledge, functional studies have not been performed for this variant. This variant has not been reported in individuals affected with cardiovascular disorders in the literature. This variant has been identified in 3/275674 chromosomes in the general population by the Genome Aggregation Database (gnomAD). The available evidence is insufficient to determine the role of this variant in disease conclusively. Therefore, this variant is classified as a Variant of Uncertain Significance.

This study involves interpretation of variants in research participants for the purpose of population health screening. Participant phenotype was not available at the time of variant classification. Additional details can be found in publication PMID: 35346344, PMCID: PMC8962531

Color Diagnostics, LLC DBA Color Health
Classification: Uncertain significance for Cardiomyopathy. Last evaluated: 2024-07-31. Review status: criteria provided, single submitter. Criteria: ACMG Guidelines, 2015. Collection method: clinical testing. Allele origin: germline.
Comment: This missense variant replaces arginine with glutamine at codon 807 of the RYR2 protein. Computational prediction is inconclusive regarding the impact of this variant on protein structure and function. To our knowledge, functional studies have not been reported for this variant. This variant has not been reported in individuals affected with RYR2-related disorders in the literature. This variant has been identified in 3/275674 chromosomes in the general population by the Genome Aggregation Database (gnomAD). The available evidence is insufficient to determine the role of this variant in disease conclusively. Therefore, this variant is classified as a Variant of Uncertain Significance.

Ambry Genetics
Classification: Uncertain significance for Cardiovascular phenotype. Last evaluated: 2024-07-03. Review status: criteria provided, single submitter. Criteria: Ambry Variant Classification Scheme 2023. Collection method: clinical testing. Allele origin: germline.
Comment: The p.R807Q variant (also known as c.2420G>A), located in coding exon 22 of the RYR2 gene, results from a G to A substitution at nucleotide position 2420. The arginine at codon 807 is replaced by glutamine, an amino acid with highly similar properties. This amino acid position is highly conserved in available vertebrate species. In addition, this alteration is predicted to be deleterious by in silico analysis. Based on the available evidence, the clinical significance of this variant remains unclear.

Labcorp Genetics (formerly Invitae), Labcorp
Classification: Uncertain significance for Catecholaminergic polymorphic ventricular tachycardia 1. Last evaluated: 2021-09-15. Review status: criteria provided, single submitter. Criteria: Invitae Variant Classification Sherloc (09022015). Collection method: clinical testing. Allele origin: germline.
Comment: This variant has not been reported in the literature in individuals affected with RYR2-related conditions. This variant is present in population databases (rs753611255, ExAC 0.03%). This sequence change replaces arginine with glutamine at codon 807 of the RYR2 protein (p.Arg807Gln). The arginine residue is highly conserved and there is a small physicochemical difference between arginine and glutamine. In summary, the available evidence is currently insufficient to determine the role of this variant in disease. Therefore, it has been classified as a Variant of Uncertain Significance. ClinVar contains an entry for this variant (Variation ID: 920221). Advanced modeling of protein sequence and biophysical properties (such as structural, functional, and spatial information, amino acid conservation, physicochemical variation, residue mobility, and thermodynamic stability) performed at Invitae indicates that this missense variant is not expected to disrupt RYR2 protein function.